The following is an entry in ClinVar:

NM_001374385.1(ATP8B1):c.337_340del (p.Phe113fs)

Gene: ATP8B1 (ATPase phospholipid transporting 8B1; minus strand). Cytogenetic location: 18q21.31.
Variant type: Deletion.
Coding change: c.337_340del on transcript NM_001374385.1 (MANE Select); coding-DNA positions 337 to 340, 4 bases deleted (TTTG; older notation c.337_340delTTTG).
Protein change: p.Phe113fs; shifts the reading frame from phenylalanine 113.
Molecular consequence: frameshift variant.
Genome position (GRCh38, 1-based): chr18:57,704,608-57,704,611, CAAA deleted on the plus strand (TTTG on the coding strand, the reverse complement: ATP8B1 is on the minus strand); deleting any 4 consecutive bases within chr18:57,704,608-57,704,613 gives the same sequence; the c. name uses the placement nearest the transcript's 3' end. VCF-style (leftmost placement, unchanged base first): chr18-57704607-TCAAA-T. GRCh37 (hg19) VCF-style: chr18-55371839-TCAAA-T.
Other names: c.187_190del, p.Phe63fs (NM_001374386.1); c.337_340del, p.Phe113fs (NM_005603.6); short protein forms F63fs, F113fs.
Identifiers: ClinVar variation 2876304 (VCV002876304.3), dbSNP rs1913293128, ClinGen allele CA2306115927.

ClinVar aggregate classification (germline): Pathogenic (1 of 4 stars; one submission).

Submission:

Labcorp Genetics (formerly Invitae), Labcorp
Classification: Pathogenic. Last evaluated: 2023-04-30. Review status: criteria provided, single submitter. Criteria: Invitae Variant Classification Sherloc (09022015). Collection method: clinical testing. Allele origin: germline.
Comment: This variant is not present in population databases (gnomAD no frequency). This variant has not been reported in the literature in individuals affected with ATP8B1-related conditions. For these reasons, this variant has been classified as Pathogenic. This sequence change creates a premature translational stop signal (p.Phe113Serfs*32) in the ATP8B1 gene. It is expected to result in an absent or disrupted protein product. Loss-of-function variants in ATP8B1 are known to be pathogenic (PMID: 15239083, 22525741).

Literature cited by the submitters: PubMed 15239083; PubMed 22525741.